The following is an entry in ClinVar:

ClinVar aggregate classification (germline): Uncertain significance (1 of 4 stars; one submission).

Conditions:
Giant axonal neuropathy 1 (GAN1). Also called: GIANT AXONAL NEUROPATHY 1, AUTOSOMAL RECESSIVE; GAN-Related Neurodegeneration. Identifiers: Orphanet 643, MedGen C1850386, MONDO:0009749, OMIM 256850.

Submission:

3billion
Classification: Uncertain significance for Giant axonal neuropathy 1. Last evaluated: 2022-05-22. Review status: criteria provided, single submitter. Criteria: ACMG Guidelines, 2015. Collection method: clinical testing. Allele origin: germline. Affected: yes. Observed: 1 homozygote.
Comment: The variant is not observed in the gnomAD v2.1.1 dataset. In silico tool predictions suggest damaging effect of the variant on gene or gene product (REVEL: 0.88; 3Cnet: 0.91). Therefore, this variant is classified as uncertain significanceaccording to the recommendation of ACMG/AMP guideline.

NM_022041.4(GAN):c.362G>A (p.Cys121Tyr)

Gene: GAN (gigaxonin; plus strand). Cytogenetic location: 16q23.2.
Variant type: single nucleotide variant.
Coding change: c.362G>A on transcript NM_022041.4 (MANE Select); coding-DNA position 362, G replaced by A.
Protein change: p.Cys121Tyr; replaces cysteine 121 with tyrosine.
Molecular consequence: missense variant. On other transcripts: 5 prime UTR variant (1).
Genome position (GRCh38, 1-based): chr16:81,354,484, G>A. VCF-style: chr16-81354484-G-A. GRCh37 (hg19) VCF-style: chr16-81388089-G-A.
Other names: c.-278G>A (NM_001377486.1); short protein forms C121Y.
Identifiers: ClinVar variation 1687165 (VCV001687165.1), dbSNP rs2150685581, ClinGen allele CA396867727.